The following is an entry in ClinVar:

NM_022489.4(INF2):c.1962G>C (p.Glu654Asp)

Gene: INF2 (inverted formin 2; plus strand). Cytogenetic location: 14q32.33.
Variant type: single nucleotide variant.
Coding change: c.1962G>C on transcript NM_022489.4 (MANE Select); coding-DNA position 1962, G replaced by C.
Protein change: p.Glu654Asp; replaces glutamic acid 654 with aspartic acid.
Molecular consequence: missense variant.
Genome position (GRCh38, 1-based): chr14:104,709,293, G>C. VCF-style: chr14-104709293-G-C. GRCh37 (hg19) VCF-style: chr14-105175630-G-C.
Other names: c.1962G>C, p.Glu654Asp (NM_001031714.4); short protein forms E654D.
Identifiers: ClinVar variation 540043 (VCV000540043.9), dbSNP rs1378876029, ClinGen allele CA391219465.

ClinVar aggregate classification (germline): Uncertain significance. Review status: criteria provided, multiple submitters, no conflicts (2 of 4 stars). 2 submissions from 2 submitters: Uncertain significance (2). Last evaluated 2021-03-04.

Conditions:
Inborn genetic diseases. Identifiers: MedGen C0950123, MeSH D030342.
Focal segmental glomerulosclerosis 5 (FSGS5). Identifiers: Orphanet 656, MedGen C2750475, MONDO:0013191, OMIM 613237.
Charcot-Marie-Tooth disease dominant intermediate E. Also called: CHARCOT-MARIE-TOOTH NEUROPATHY WITH FOCAL SEGMENTAL GLOMERULONEPHRITIS. Identifiers: Orphanet 93114, MedGen C4302667, MONDO:0013758, OMIM 614455.

Allele frequency attached by ClinVar (database versions not stated): TOPMed below 0.00001; gnomAD 0.00001; gnomAD exomes 0.00001.
gnomAD v4.1: 8 of 1,612,654 alleles (0.0005%); highest among the groups gnomAD compares: Non-Finnish European, 0.00068%; no homozygotes.

Submissions (2):

Ambry Genetics
Classification: Uncertain significance for Inborn genetic diseases. Last evaluated: 2021-03-04. Review status: criteria provided, single submitter. Criteria: Ambry Variant Classification Scheme 2023. Collection method: clinical testing. Allele origin: germline.
Comment: The p.E654D variant (also known as c.1962G>C), located in coding exon 10 of the INF2 gene, results from a G to C substitution at nucleotide position 1962. The glutamic acid at codon 654 is replaced by aspartic acid, an amino acid with highly similar properties. This amino acid position is not well conserved in available vertebrate species, and aspartic acid is the reference amino acid in other vertebrate species. In addition, this alteration is predicted to be tolerated by in silico analysis. Since supporting evidence is limited at this time, the clinical significance of this alteration remains unclear.

Labcorp Genetics (formerly Invitae), Labcorp
Classification: Uncertain significance for Charcot-Marie-Tooth disease dominant intermediate E; Focal segmental glomerulosclerosis 5. Last evaluated: 2017-09-16. Review status: criteria provided, single submitter. Criteria: Invitae Variant Classification Sherloc (09022015). Collection method: clinical testing. Allele origin: germline.
Comment: This variant is not present in population databases (ExAC no frequency). This sequence change replaces glutamic acid with aspartic acid at codon 654 of the INF2 protein (p.Glu654Asp). The glutamic acid residue is moderately conserved and there is a small physicochemical difference between glutamic acid and aspartic acid. This variant has not been reported in the literature in individuals with INF2-related disease. Algorithms developed to predict the effect of missense changes on protein structure and function output the following: SIFT: "Tolerated"; PolyPhen-2: "Benign"; Align-GVGD: "Class C0". The aspartic acid amino acid residue is found in multiple mammalian species, suggesting that this missense change does not adversely affect protein function. These predictions have not been confirmed by published functional studies and their clinical significance is uncertain. In summary, the available evidence is currently insufficient to determine the role of this variant in disease. Therefore, it has been classified as a Variant of Uncertain Significance.